The following is an entry in ClinVar:

NM_032638.5(GATA2):c.377T>A (p.Leu126Gln)

Gene: GATA2 (GATA binding protein 2; minus strand). Cytogenetic location: 3q21.3.
Variant type: single nucleotide variant.
Coding change: c.377T>A on transcript NM_032638.5 (MANE Select); coding-DNA position 377, T replaced by A.
Protein change: p.Leu126Gln; replaces leucine 126 with glutamine.
Molecular consequence: missense variant.
Genome position (GRCh38, 1-based): chr3:128,486,221, A>T on the plus strand (T>A on the coding strand, the complement: GATA2 is on the minus strand). VCF-style: chr3-128486221-A-T. GRCh37 (hg19) VCF-style: chr3-128205064-A-T.
Other names: c.377T>A, p.Leu126Gln (NM_001145661.2, NM_001145662.1); short protein forms L126Q.
Identifiers: ClinVar variation 2078501 (VCV002078501.4), dbSNP rs2107672753, ClinGen allele CA354407032.

ClinVar aggregate classification (germline): Uncertain significance (1 of 4 stars; one submission).

Conditions:
Deafness-lymphedema-leukemia syndrome. Also called: Emberger syndrome; Lymphedema, primary, with myelodysplasia. Identifiers: Orphanet 3226, MedGen C3279664, MONDO:0013540, OMIM 614038.
Monocytopenia with susceptibility to infections. Also called: MONOCYTOPENIA AND MYCOBACTERIAL INFECTION SYNDROME; MONOCYTOPENIA WITH SUSCEPTIBILITY TO MYCOBACTERIAL, FUNGAL, AND PAPILLOMAVIRUS INFECTIONS AND MYELODYSPLASIA; COMBINED IMMUNODEFICIENCY WITH SUSCEPTIBILITY TO MYCOBACTERIAL, VIRAL, AND FUNGAL INFECTIONS; Dendritic cell, monocyte, B lymphocyte, and natural killer lymphocyte deficiency; IMMUNODEFICIENCY 21; GATA2 DEFICIENCY. Identifiers: Orphanet 228423, MedGen C3280030, MONDO:0013607, OMIM 614172.

Allele frequency attached by ClinVar (database versions not stated): gnomAD exomes below 0.00001.
gnomAD v4.1: 2 of 1,561,100 alleles (0.00013%); highest among the groups gnomAD compares: Non-Finnish European, 0.00017%; no homozygotes.

Submission:

Labcorp Genetics (formerly Invitae), Labcorp
Classification: Uncertain significance for Monocytopenia with susceptibility to infections; Deafness-lymphedema-leukemia syndrome. Last evaluated: 2022-01-12. Review status: criteria provided, single submitter. Criteria: Invitae Variant Classification Sherloc (09022015). Collection method: clinical testing. Allele origin: germline.
Comment: In summary, the available evidence is currently insufficient to determine the role of this variant in disease. Therefore, it has been classified as a Variant of Uncertain Significance. Algorithms developed to predict the effect of missense changes on protein structure and function are either unavailable or do not agree on the potential impact of this missense change (SIFT: "Tolerated"; PolyPhen-2: "Probably Damaging"; Align-GVGD: "Class C0"). This variant has not been reported in the literature in individuals affected with GATA2-related conditions. This variant is not present in population databases (gnomAD no frequency). This sequence change replaces leucine, which is neutral and non-polar, with glutamine, which is neutral and polar, at codon 126 of the GATA2 protein (p.Leu126Gln).